The following is an entry in ClinVar:

ClinVar aggregate classification (germline): Pathogenic (1 of 4 stars; one submission).

Conditions:
Neurofibromatosis, type 1 (NF1). Also called: VON RECKLINGHAUSEN DISEASE; Peripheral type neurofibromatosis; NEUROFIBROMATOSIS, TYPE I, SOMATIC; Neurofibromatosis, type I. Identifiers: Orphanet 636, MedGen C0027831, MONDO:0018975, OMIM 162200. Disease mechanism: loss of function.

Submission:

Labcorp Genetics (formerly Invitae), Labcorp
Classification: Pathogenic for Neurofibromatosis, type 1. Last evaluated: 2025-12-10. Review status: criteria provided, single submitter. Criteria: Invitae Variant Classification Sherloc (09022015). Collection method: clinical testing. Allele origin: germline.
Comment: This sequence change creates a premature translational stop signal (p.Asn974Lysfs*4) in the NF1 gene. It is expected to result in an absent or disrupted protein product. Loss-of-function variants in NF1 are known to be pathogenic (PMID: 10712197, 23913538). This variant is not present in population databases (gnomAD no frequency). This variant has not been reported in the literature in individuals affected with NF1-related conditions. ClinVar contains an entry for this variant (Variation ID: 1073717). Algorithms developed to predict the effect of sequence changes on RNA splicing suggest that this variant may disrupt the consensus splice site. For these reasons, this variant has been classified as Pathogenic.

Literature cited by the submitters: PubMed 10712197; PubMed 23913538.

NM_001042492.3(NF1):c.2921dup (p.Asn974fs)

Gene: NF1 (neurofibromin 1; plus strand). Cytogenetic location: 17q11.2.
Variant type: Duplication.
Coding change: c.2921dup on transcript NM_001042492.3 (MANE Select); coding-DNA position 2921, one base duplicated (A; older notation c.2921dupA).
Protein change: p.Asn974fs; shifts the reading frame from asparagine 974.
Molecular consequence: frameshift variant.
Genome position (GRCh38, 1-based): chr17:31,229,905, A duplicated; the last of 2 consecutive A bases (chr17:31,229,904-31,229,905); duplicating either gives the same sequence. VCF-style (leftmost placement, unchanged base first): chr17-31229903-T-TA. GRCh37 (hg19) VCF-style: chr17-29556921-T-TA.
Other names: c.2921dup, p.Asn974Lysfs (NM_000267.4); short protein forms N974fs.
Identifiers: ClinVar variation 1073717 (VCV001073717.5), dbSNP rs2151430666, ClinGen allele CA2499224073.
Genomic context (GRCh38, chr17:31,229,903, plus strand): 5'-GACTGATACCAATACTCAATTTGTAGAACAAACCATAGCTATAATGAAGAACTTGCTAGA[T>TA]AATCATACTGAAGGCAGCTCTGAACATCTAGGGCAAGCTAGCATTGAAACAATGATGTTA-3'